The following is an entry in ClinVar:

NM_000051.4(ATM):c.4162G>T (p.Ala1388Ser)

Gene: ATM (ATM serine/threonine kinase; plus strand). Cytogenetic location: 11q22.3.
Variant type: single nucleotide variant.
Coding change: c.4162G>T on transcript NM_000051.4 (MANE Select); coding-DNA position 4162, G replaced by T.
Protein change: p.Ala1388Ser; replaces alanine 1388 with serine.
Molecular consequence: missense variant.
Genome position (GRCh38, 1-based): chr11:108,289,029, G>T. VCF-style: chr11-108289029-G-T. GRCh37 (hg19) VCF-style: chr11-108159756-G-T.
Other names: c.4162G>T, p.Ala1388Ser (NM_001351834.2); short protein forms A1388S.
Identifiers: ClinVar variation 847433 (VCV000847433.6), dbSNP rs1555096903, ClinGen allele CA382530069.

ClinVar aggregate classification (germline): Uncertain significance (1 of 4 stars; one submission).

Conditions:
Ataxia-telangiectasia syndrome (AT). Also called: Ataxia-telangiectasia, complementation group E; Cerebello-oculocutaneous telangiectasia; Immunodeficiency with ataxia telangiectasia; Ataxia-telangiectasia, complementation group D; AT, COMPLEMENTATION GROUP C; Ataxia-telangiectasia. Identifiers: Orphanet 100, MedGen C0004135, MONDO:0008840, OMIM 208900.

Submission:

Labcorp Genetics (formerly Invitae), Labcorp
Classification: Uncertain significance for Ataxia-telangiectasia syndrome. Last evaluated: 2021-08-31. Review status: criteria provided, single submitter. Criteria: Invitae Variant Classification Sherloc (09022015). Collection method: clinical testing. Allele origin: germline.
Comment: This sequence change replaces alanine with serine at codon 1388 of the ATM protein (p.Ala1388Ser). The alanine residue is highly conserved and there is a moderate physicochemical difference between alanine and serine. This variant is not present in population databases (ExAC no frequency). This variant has not been reported in the literature in individuals affected with ATM-related conditions. Algorithms developed to predict the effect of missense changes on protein structure and function (SIFT, PolyPhen-2, Align-GVGD) all suggest that this variant is likely to be disruptive. In summary, the available evidence is currently insufficient to determine the role of this variant in disease. Therefore, it has been classified as a Variant of Uncertain Significance.